The following is an entry in ClinVar:

NM_006767.4(LZTR1):c.1653C>G (p.Tyr551Ter)

Gene: LZTR1 (leucine zipper like post translational regulator 1; plus strand). Cytogenetic location: 22q11.21.
Variant type: single nucleotide variant.
Coding change: c.1653C>G on transcript NM_006767.4 (MANE Select); coding-DNA position 1653, C replaced by G.
Protein change: p.Tyr551Ter; replaces tyrosine 551 with a stop codon.
Molecular consequence: nonsense.
Genome position (GRCh38, 1-based): chr22:20,994,595, C>G. VCF-style: chr22-20994595-C-G. GRCh37 (hg19) VCF-style: chr22-21348884-C-G.
Other names: short protein forms Y551*.
Identifiers: ClinVar variation 1777290 (VCV001777290.10), dbSNP rs1411200130, ClinGen allele CA410776667.
Genomic context (GRCh38, chr22:20,994,595, plus strand): 5'-GATTCGGGGGCTCTGGGGCGCAGGCCATGTGGAGGATGTGCTGCTCATCATGGATGTGTA[C>G]AAACTGGCACTGAGCTTCCAGTTGTGCCGCCTGGAGCAGCTGTGCCGCCAGTACATCGAG-3'

ClinVar aggregate classification (germline): Pathogenic. Review status: criteria provided, multiple submitters, no conflicts (2 of 4 stars). 3 submissions from 3 submitters: Pathogenic (3). Last evaluated 2026-08-03.

Conditions:
Cardiovascular phenotype. Identifiers: MedGen CN230736.
Hereditary cancer-predisposing syndrome. Also called: Neoplastic Syndromes, Hereditary; Tumor predisposition; Hereditary neoplastic syndrome; Hereditary Cancer Syndrome. Identifiers: Orphanet 140162, MedGen C0027672, MeSH D009386, MONDO:0015356.

Allele frequency attached by ClinVar (database versions not stated): gnomAD 0.00001; TOPMed below 0.00001.
gnomAD v4.1: 1 of 1,612,168 alleles (0.000062%); highest among the groups gnomAD compares: African/African-American, 0.0013%; no homozygotes.

Submissions (3):

GeneDx
Classification: Pathogenic. Last evaluated: 2026-08-03. Review status: criteria provided, single submitter. Criteria: GeneDx Variant Classification Process June 2021. Collection method: clinical testing. Allele origin: germline.
Comment: Not observed at significant frequency in large population cohorts (gnomAD); Nonsense variant predicted to result in protein truncation or nonsense mediated decay in a gene for which loss of function is a known mechanism of disease; This variant is associated with the following publications: (PMID: 40114953, 30006736)

Labcorp Genetics (formerly Invitae), Labcorp
Classification: Pathogenic. Last evaluated: 2025-07-27. Review status: criteria provided, single submitter. Criteria: Invitae Variant Classification Sherloc (09022015). Collection method: clinical testing. Allele origin: germline.
Comment: This sequence change creates a premature translational stop signal (p.Tyr551*) in the LZTR1 gene. It is expected to result in an absent or disrupted protein product. Loss-of-function variants in LZTR1 are known to be pathogenic (PMID: 24362817, 25335493, 25480913, 25795793, 29469822, 30368668, 30442762, 30442766, 30481304, 30859559). This variant is not present in population databases (gnomAD no frequency). This premature translational stop signal has been observed in individual(s) with schwannomatosis (PMID: 30006736). ClinVar contains an entry for this variant (Variation ID: 1777290). Algorithms developed to predict the effect of sequence changes on RNA splicing suggest that this variant may create or strengthen a splice site. For these reasons, this variant has been classified as Pathogenic.

Ambry Genetics
Classification: Pathogenic for Cardiovascular phenotype; Hereditary cancer-predisposing syndrome. Last evaluated: 2023-10-02. Review status: criteria provided, single submitter. Criteria: Ambry Variant Classification Scheme 2023. Collection method: clinical testing. Allele origin: germline.
Comment: The p.Y551* pathogenic mutation (also known as c.1653C>G), located in coding exon 15 of the LZTR1 gene, results from a C to G substitution at nucleotide position 1653. This changes the amino acid from a tyrosine to a stop codon within coding exon 15. This alteration has been reported in a patient with clinically diagnosed schwannomatosis (Kehrer-Sawatzki H et al. Hum Genet, 2018 Jul;137:543-552). This alteration is expected to result in loss of function by premature protein truncation or nonsense-mediated mRNA decay. Loss-of-function variants in LZTR1 are related to an increased risk for schwannomas and autosomal recessive Noonan syndrome; however, such associations with autosomal dominant Noonan syndrome have not been observed (Piotrowski A et al. Nat Genet. 2014 Feb;46:182-7; Yamamoto GL et al. J Med Genet. 2015 Jun;52:413-21; Johnston JJ et al. Genet Med. 2018 10;20:1175-1185). Based on the supporting evidence, this variant is pathogenic for an increased risk of LZTR1-related schwannomatosis (SWN) and would be expected to cause autosomal recessive Noonan syndrome when present along with a second pathogenic or likely pathogenic variant on the other allele; however, the association of this alteration with autosomal dominant Noonan syndrome is unlikely.

Literature cited by the submitters: PubMed 24362817 (cited by Labcorp Genetics (formerly Invitae), Labcorp); PubMed 25335493 (cited by Labcorp Genetics (formerly Invitae), Labcorp); PubMed 25480913 (cited by Labcorp Genetics (formerly Invitae), Labcorp); PubMed 25795793 (cited by Labcorp Genetics (formerly Invitae), Labcorp); PubMed 29469822 (cited by Labcorp Genetics (formerly Invitae), Labcorp); PubMed 30368668 (cited by Labcorp Genetics (formerly Invitae), Labcorp); PubMed 30442762 (cited by Labcorp Genetics (formerly Invitae), Labcorp); PubMed 30442766 (cited by Labcorp Genetics (formerly Invitae), Labcorp); PubMed 30481304 (cited by Labcorp Genetics (formerly Invitae), Labcorp); PubMed 30859559 (cited by Labcorp Genetics (formerly Invitae), Labcorp); PubMed 30006736 (cited by Labcorp Genetics (formerly Invitae), Labcorp).